The following is an entry in ClinVar:

ClinVar aggregate classification (germline): Uncertain significance (1 of 4 stars; one submission).

Conditions:
Kabuki syndrome. Also called: Kabuki make-up syndrome; NIIKAWA-KUROKI SYNDROME. Identifiers: Orphanet 2322, MedGen C0796004, MONDO:0016512.

Allele frequency attached by ClinVar (database versions not stated): TOPMed below 0.00001.
gnomAD v4.1: 4 of 1,613,810 alleles (0.00025%); highest among the groups gnomAD compares: East Asian, 0.0022%; no homozygotes.

Submission:

Labcorp Genetics (formerly Invitae), Labcorp
Classification: Uncertain significance for Kabuki syndrome. Last evaluated: 2025-06-24. Review status: criteria provided, single submitter. Criteria: Invitae Variant Classification Sherloc (09022015). Collection method: clinical testing. Allele origin: germline.
Comment: This sequence change replaces proline, which is neutral and non-polar, with leucine, which is neutral and non-polar, at codon 1951 of the KMT2D protein (p.Pro1951Leu). This variant is not present in population databases (gnomAD no frequency). This variant has not been reported in the literature in individuals affected with KMT2D-related conditions. ClinVar contains an entry for this variant (Variation ID: 2143298). Invitae Evidence Modeling of protein sequence and biophysical properties (such as structural, functional, and spatial information, amino acid conservation, physicochemical variation, residue mobility, and thermodynamic stability) has been performed for this missense variant. However, the output from this modeling did not meet the statistical confidence thresholds required to predict the impact of this variant on KMT2D protein function. In summary, the available evidence is currently insufficient to determine the role of this variant in disease. Therefore, it has been classified as a Variant of Uncertain Significance.

NM_003482.4(KMT2D):c.5852C>T (p.Pro1951Leu)

Gene: KMT2D (lysine methyltransferase 2D; minus strand). Cytogenetic location: 12q13.12.
Variant type: single nucleotide variant.
Coding change: c.5852C>T on transcript NM_003482.4 (MANE Select); coding-DNA position 5852, C replaced by T.
Protein change: p.Pro1951Leu; replaces proline 1951 with leucine.
Molecular consequence: missense variant.
Genome position (GRCh38, 1-based): chr12:49,042,576, G>A on the plus strand (C>T on the coding strand, the complement: KMT2D is on the minus strand). VCF-style: chr12-49042576-G-A. GRCh37 (hg19) VCF-style: chr12-49436359-G-A.
Other names: short protein forms P1951L.
Identifiers: ClinVar variation 2143298 (VCV002143298.4), dbSNP rs1262693475, ClinGen allele CA384628007.